The following is an entry in ClinVar:

ClinVar aggregate classification (germline): Benign (1 of 4 stars; one submission).

Submission:

Laboratory for Molecular Medicine, Mass General Brigham Personalized Medicine
Classification: Benign. Last evaluated: 2016-03-29. Review status: criteria provided, single submitter. Criteria: LMM Criteria. Collection method: clinical testing. Allele origin: germline.
Comment: Variant identified in a genome or exome case(s) and assessed due to predicted null impact of the variant or pathogenic assertions in the literature or databases. Disclaimer: This variant has not undergone full assessment. The following are preliminary notes: Frequency

NM_018072.6(HEATR1):c.6347-3dup

Genes: HEATR1 (HEAT repeat containing 1; minus strand), LGALS8 (galectin 8; plus strand). Cytogenetic location: 1q43.
Variant type: Duplication.
Coding change: c.6347-3dup on transcript NM_018072.6 (MANE Select); 3 bases into the intron before coding-DNA position 6347, one base duplicated (T; older notation c.6347-3dupT).
Molecular consequence: intron variant. On other transcripts: 3 prime UTR variant (4).
Genome position (GRCh38, 1-based): chr1:236,550,993, A duplicated on the plus strand (T on the coding strand, the reverse complement: HEATR1 is on the minus strand); the first of 18 consecutive A bases (chr1:236,550,993-236,551,010); duplicating any one gives the same sequence. VCF-style (leftmost placement, unchanged base first): chr1-236550992-T-TA. GRCh37 (hg19) VCF-style: chr1-236714292-T-TA.
Other names: c.*2849dup (NM_006499.5, NM_201543.4, NM_201544.4 and 1 more transcripts).
Identifiers: ClinVar variation 402929 (VCV000402929.4), dbSNP rs55866014, ClinGen allele CA1470737.